The following is an entry in ClinVar:

ClinVar aggregate classification (germline): Uncertain significance (1 of 4 stars; one submission).

gnomAD v4.1: 8 of 1,604,942 alleles (0.0005%); highest among the groups gnomAD compares: South Asian, 0.0011%; no homozygotes.

Submission:

Labcorp Genetics (formerly Invitae), Labcorp
Classification: Uncertain significance. Last evaluated: 2025-04-19. Review status: criteria provided, single submitter. Criteria: Invitae Variant Classification Sherloc (09022015). Collection method: clinical testing. Allele origin: germline.
Comment: This sequence change replaces arginine, which is basic and polar, with histidine, which is basic and polar, at codon 2870 of the TRRAP protein (p.Arg2870His). The frequency data for this variant in the population databases is considered unreliable, as metrics indicate poor data quality at this position in the gnomAD database. This variant has not been reported in the literature in individuals affected with TRRAP-related conditions. Invitae Evidence Modeling of protein sequence and biophysical properties (such as structural, functional, and spatial information, amino acid conservation, physicochemical variation, residue mobility, and thermodynamic stability) indicates that this missense variant is not expected to disrupt TRRAP protein function with a negative predictive value of 80%. In summary, the available evidence is currently insufficient to determine the role of this variant in disease. Therefore, it has been classified as a Variant of Uncertain Significance.

NM_001375524.1(TRRAP):c.8684G>A (p.Arg2895His)

Gene: TRRAP (transformation/transcription domain associated protein; plus strand). Cytogenetic location: 7q22.1.
Variant type: single nucleotide variant.
Coding change: c.8684G>A on transcript NM_001375524.1 (MANE Select); coding-DNA position 8684, G replaced by A.
Protein change: p.Arg2895His; replaces arginine 2895 with histidine.
Molecular consequence: missense variant.
Genome position (GRCh38, 1-based): chr7:98,981,818, G>A. VCF-style: chr7-98981818-G-A. GRCh37 (hg19) VCF-style: chr7-98579441-G-A.
Other names: c.8663G>A, p.Arg2888His (NM_001244580.2); c.8609G>A, p.Arg2870His (NM_003496.4); short protein forms R2870H, R2888H, R2895H.
Identifiers: ClinVar variation 4740238 (VCV004740238.1).
Genomic context (GRCh38, chr7:98,981,818, plus strand): 5'-TTCACTGCCAGGTGGAAGTGAGCTGTCCGAAGGAGATGGCCTGGAAGGTGAACATGTACC[G>A]CGGATACCTGGCCATCTGCCACCCCGAGGAGCAGCAGCTCAGCTTCATCGAGCGCCTGGT-3'
Protein context (NP_001362453.1, residues 2885-2905): KEMAWKVNMY[Arg2895His]GYLAICHPEE